The following is an entry in ClinVar:

ClinVar aggregate classification (germline): Likely pathogenic. Review status: reviewed by expert panel (3 of 4 stars). 3 submissions from 3 submitters: Likely pathogenic (1). 2 of the submissions do not count toward it. Last evaluated 2024-05-14.

Conditions:
Very long chain acyl-CoA dehydrogenase deficiency (ACADVLD). Also called: Very Long-Chain Acyl-Coenzyme A Dehydrogenase Deficiency; VLCAD Deficiency. Identifiers: Orphanet 26793, MedGen C3887523, MONDO:0008723, OMIM 201475.

Submissions (3):

ClinGen ACADVL Variant Curation Expert Panel, ClinGen
Classification: Likely pathogenic for Very long chain acyl-CoA dehydrogenase deficiency. Last evaluated: 2024-05-14. Review status: reviewed by expert panel. Criteria: clingen acadvl acmg specifications v1. Collection method: curation. Allele origin: germline. Inheritance: Autosomal recessive inheritance.
Comment: The c.746G>A (p.Trp249Ter) NM_000018.3 variant in ACADVL is a nonsense variant predicted to cause a premature stop codon in biologically-relevant-exon 8/20 leading to nonsense mediated decay in a gene in which loss-of-function is an established disease mechanism (PVS1; PMIDs 9973285, 11590124). This variant is absent from gnomAD v2.1.1 (PM2_Supporting). The ACADVL Variant Curation Expert Panel VCEP classified the variant as likely pathogenic based on PVS1+PM2_supporting (ACADVL VCEP specifications version 1; approved November 9, 2021).

Labcorp Genetics (formerly Invitae), Labcorp
Classification: Pathogenic for Very long chain acyl-CoA dehydrogenase deficiency. Last evaluated: 2023-03-03. Review status: criteria provided, single submitter. Criteria: Invitae Variant Classification Sherloc (09022015). Collection method: clinical testing. Allele origin: germline. Not counted in ClinVar's aggregate classification.
Comment: This sequence change creates a premature translational stop signal (p.Trp249*) in the ACADVL gene. It is expected to result in an absent or disrupted protein product. Loss-of-function variants in ACADVL are known to be pathogenic (PMID: 9973285, 11590124). This variant is not present in population databases (gnomAD no frequency). This variant has not been reported in the literature in individuals affected with ACADVL-related conditions. ClinVar contains an entry for this variant (Variation ID: 932843). For these reasons, this variant has been classified as Pathogenic.

Wong Mito Lab, Molecular and Human Genetics, Baylor College of Medicine
Classification: Pathogenic for Very long chain acyl-CoA dehydrogenase deficiency. Last evaluated: 2019-11-01. Review status: criteria provided, single submitter. Criteria: ACMG Guidelines, 2015. Collection method: clinical testing. Allele origin: germline. Not counted in ClinVar's aggregate classification.
Comment: The NM_000018.3:c.746G>A (NP_000009.1:p.Trp249Ter) [GRCH38: NC_000017.11:g.7222075G>A] variant in ACADVL gene is interpretated to be Pathogenic based on ACMG guidelines (PMID: 25741868). This variant has been reported. This variant meets the following evidence codes reported in the ACMG guidelines: PVS1, PS3

Literature cited by the submitters: PubMed 9973285 (cited by Labcorp Genetics (formerly Invitae), Labcorp); PubMed 11590124 (cited by Labcorp Genetics (formerly Invitae), Labcorp).

NM_000018.4(ACADVL):c.746G>A (p.Trp249Ter)

Gene: ACADVL (acyl-CoA dehydrogenase very long chain; plus strand). Cytogenetic location: 17p13.1.
Variant type: single nucleotide variant.
Coding change: c.746G>A on transcript NM_000018.4 (MANE Select); coding-DNA position 746, G replaced by A.
Protein change: p.Trp249Ter; replaces tryptophan 249 with a stop codon.
Molecular consequence: nonsense.
Genome position (GRCh38, 1-based): chr17:7,222,075, G>A. VCF-style: chr17-7222075-G-A. GRCh37 (hg19) VCF-style: chr17-7125394-G-A.
Other names: NM_000018.4(ACADVL):c.746G>A; p.Trp249Ter; c.680G>A, p.Trp227Ter (NM_001033859.3); c.815G>A, p.Trp272Ter (NM_001270447.2); c.518G>A, p.Trp173Ter (NM_001270448.2); short protein forms W227*, W272*, W249*, W173*.
Identifiers: ClinVar variation 932843 (VCV000932843.9), dbSNP rs2071258420, ClinGen allele CA397723589.